The following is an entry in ClinVar:

ClinVar aggregate classification (germline): Uncertain significance (1 of 4 stars; one submission).

Submission:

Labcorp Genetics (formerly Invitae), Labcorp
Classification: Uncertain significance. Last evaluated: 2025-08-18. Review status: criteria provided, single submitter. Criteria: Invitae Variant Classification Sherloc (09022015). Collection method: clinical testing. Allele origin: germline.
Comment: This sequence change falls in intron 1 of the PPP3CA gene. It does not directly change the encoded amino acid sequence of the PPP3CA protein. It affects a nucleotide within the consensus splice site. This variant is not present in population databases (gnomAD no frequency). This variant has not been reported in the literature in individuals affected with PPP3CA-related conditions. Variants that disrupt the consensus splice site are a relatively common cause of aberrant splicing (PMID: 17576681, 9536098). Algorithms developed to predict the effect of sequence changes on RNA splicing suggest that this variant is not likely to affect RNA splicing. In summary, the available evidence is currently insufficient to determine the role of this variant in disease. Therefore, it has been classified as a Variant of Uncertain Significance.

Literature cited by the submitters: PubMed 17576681; PubMed 9536098.

NM_000944.5(PPP3CA):c.58+4A>T

Gene: PPP3CA (protein phosphatase 3 catalytic subunit alpha; minus strand). Cytogenetic location: 4q24.
Variant type: single nucleotide variant.
Coding change: c.58+4A>T on transcript NM_000944.5 (MANE Select); 4 bases into the intron after coding-DNA position 58, A replaced by T.
Molecular consequence: intron variant.
Genome position (GRCh38, 1-based): chr4:101,346,735, T>A on the plus strand (A>T on the coding strand, the complement: PPP3CA is on the minus strand). VCF-style: chr4-101346735-T-A. GRCh37 (hg19) VCF-style: chr4-102267892-T-A.
Other names: c.58+4A>T (NM_001130692.2, NM_001130691.2).
Identifiers: ClinVar variation 4725117 (VCV004725117.1).
Genomic context (GRCh38, chr4:101,346,735, plus strand): 5'-GAGGCAAGCTGCCCTGGCGCCTGCGGCACACGGTGCACCCAGGCCACCGCGGCGCTCCGC[T>A]TACCTTTCACCACCCTGTCGGTCGTCGACAACTTGGGATCAATTGCCTTGGGCTCGGACA-3'